The following is an entry in ClinVar:

NM_001928.4(CFD):c.69T>G (p.Arg23=)

Gene: CFD (complement factor D; plus strand). Cytogenetic location: 19p13.3.
Variant type: single nucleotide variant.
Coding change: c.69T>G on transcript NM_001928.4 (MANE Select); coding-DNA position 69, T replaced by G.
Protein change: p.Arg23=; no amino-acid change (arginine 23 retained).
Molecular consequence: synonymous variant.
Genome position (GRCh38, 1-based): chr19:860,630, T>G. VCF-style: chr19-860630-T-G. GRCh37 (hg19) VCF-style: chr19-860630-T-G.
Other names: c.90T>G, p.Arg30= (NM_001317335.2).
Identifiers: ClinVar variation 2648870 (VCV002648870.24), dbSNP rs2512175857, ClinGen allele CA504881775.

ClinVar aggregate classification (germline): Likely benign (1 of 4 stars; one submission).

Submission:

CeGaT Center for Human Genetics Tuebingen
Classification: Likely benign. Last evaluated: 2023-02-01. Review status: criteria provided, single submitter. Criteria: CeGaT Center For Human Genetics Tuebingen Variant Classification Criteria Version 2. Collection method: clinical testing. Allele origin: germline. Affected: yes. Observed: 1 variant allele.
Comment: CFD: PM2:Supporting, BP4, BP7